The following is an entry in ClinVar:

NM_016180.5(SLC45A2):c.1078T>A (p.Phe360Ile)

Gene: SLC45A2 (solute carrier family 45 member 2; minus strand). Cytogenetic location: 5p13.2.
Variant type: single nucleotide variant.
Coding change: c.1078T>A on transcript NM_016180.5 (MANE Select); coding-DNA position 1078, T replaced by A.
Protein change: p.Phe360Ile; replaces phenylalanine 360 with isoleucine.
Molecular consequence: missense variant. On other transcripts: 3 prime UTR variant (1).
Genome position (GRCh38, 1-based): chr5:33,951,632, A>T on the plus strand (T>A on the coding strand, the complement: SLC45A2 is on the minus strand). VCF-style: chr5-33951632-A-T. GRCh37 (hg19) VCF-style: chr5-33951737-A-T.
Other names: c.1078T>A, p.Phe360Ile (NM_001012509.4); c.*20T>A (NM_001297417.4); short protein forms F360I.
Identifiers: ClinVar variation 1932026 (VCV001932026.5), dbSNP rs760972161, ClinGen allele CA3225589.

ClinVar aggregate classification (germline): Uncertain significance (1 of 4 stars; one submission).

Allele frequency attached by ClinVar (database versions not stated): ExAC 0.00001.
gnomAD v4.1: 3 of 1,614,166 alleles (0.00019%); highest among the groups gnomAD compares: Non-Finnish European, 0.00025%; no homozygotes.

Submission:

Labcorp Genetics (formerly Invitae), Labcorp
Classification: Uncertain significance. Last evaluated: 2023-11-27. Review status: criteria provided, single submitter. Criteria: Invitae Variant Classification Sherloc (09022015). Collection method: clinical testing. Allele origin: germline.
Comment: This sequence change replaces phenylalanine, which is neutral and non-polar, with isoleucine, which is neutral and non-polar, at codon 360 of the SLC45A2 protein (p.Phe360Ile). This variant is present in population databases (rs760972161, gnomAD 0.0009%). This variant has not been reported in the literature in individuals affected with SLC45A2-related conditions. ClinVar contains an entry for this variant (Variation ID: 1932026). Advanced modeling of protein sequence and biophysical properties (such as structural, functional, and spatial information, amino acid conservation, physicochemical variation, residue mobility, and thermodynamic stability) performed at Invitae indicates that this missense variant is not expected to disrupt SLC45A2 protein function with a negative predictive value of 80%. In summary, the available evidence is currently insufficient to determine the role of this variant in disease. Therefore, it has been classified as a Variant of Uncertain Significance.